The following is an entry in ClinVar:

ClinVar aggregate classification (germline): Benign (1 of 4 stars; one submission).

Conditions:
Pseudohypoaldosteronism type 2E (PHA2E). Also called: Pseudohypoaldosteronism Type IIE. Identifiers: Orphanet 300530, Orphanet 757, MedGen C3469606, MONDO:0013782, OMIM 614496.

Allele frequency attached by ClinVar (database versions not stated): gnomAD 0.00756 and 0.00745; gnomAD exomes 0.00848; 1000 Genomes Project 0.00220; 1000 Genomes Project 30x 0.00234; TOPMed 0.00719.
gnomAD v4.1: 1,600 of 209,042 alleles (0.77%); highest among the groups gnomAD compares: Non-Finnish European, 1.3%; 13 homozygotes.

Submission:

Illumina Laboratory Services, Illumina
Classification: Benign for Pseudohypoaldosteronism type 2E. Last evaluated: 2018-01-13. Review status: criteria provided, single submitter. Criteria: ICSL Variant Classification Criteria 13 December 2019. Collection method: clinical testing. Allele origin: germline.
Comment: This variant was observed in the ICSL laboratory as part of a predisposition screen in an ostensibly healthy population. It had not been previously curated by ICSL or reported in the Human Gene Mutation Database (HGMD: prior to June 1st, 2018), and was therefore a candidate for classification through an automated scoring system. Utilizing variant allele frequency, disease prevalence and penetrance estimates, and inheritance mode, an automated score was calculated to assess if this variant is too frequent to cause the disease. Based on the score and internal cut-off values, a variant classified as benign is not then subjected to further curation. The score for this variant resulted in a classification of benign for this disease.

NM_003590.5(CUL3):c.*1872G>C

Gene: CUL3 (cullin 3; minus strand). Cytogenetic location: 2q36.2.
Variant type: single nucleotide variant.
Coding change: c.*1872G>C on transcript NM_003590.5 (MANE Select); 1872 bases downstream of the stop codon, G replaced by C.
Molecular consequence: 3 prime UTR variant.
Genome position (GRCh38, 1-based): chr2:224,472,373, C>G on the plus strand (G>C on the coding strand, the complement: CUL3 is on the minus strand). VCF-style: chr2-224472373-C-G. GRCh37 (hg19) VCF-style: chr2-225337090-C-G.
Other names: c.*1872G>C (NM_001257197.2, NM_001257198.2).
Identifiers: ClinVar variation 334609 (VCV000334609.6), dbSNP rs140669610, ClinGen allele CA10612929.